The following is an entry in ClinVar:

ClinVar aggregate classification (germline): Likely benign. Review status: criteria provided, multiple submitters, no conflicts (2 of 4 stars). 4 submissions from 3 submitters: Likely benign (4). Last evaluated 2024-11-03.

Conditions:
Adams-Oliver syndrome 5 (AOS5). Identifiers: Orphanet 974, MedGen C4014970, MONDO:0014459, OMIM 616028.
Aortic valve disease 1 (AOVD1). Identifiers: MedGen C3887892, MONDO:0024523, OMIM 109730.

Allele frequency attached by ClinVar (database versions not stated): TOPMed 0.00002.
gnomAD v4.1: 11 of 1,613,298 alleles (0.00068%); highest among the groups gnomAD compares: Non-Finnish European, 0.00085%; no homozygotes.

Submissions (4):

Labcorp Genetics (formerly Invitae), Labcorp
Classification: Likely benign for Adams-Oliver syndrome 5. Last evaluated: 2024-11-03. Review status: criteria provided, single submitter. Criteria: Invitae Variant Classification Sherloc (09022015). Collection method: clinical testing. Allele origin: germline.

Genome-Nilou Lab
Classification: Likely benign for Adams-Oliver syndrome 5. Last evaluated: 2022-03-15. Review status: criteria provided, single submitter. Criteria: ACMG Guidelines, 2015. Collection method: clinical testing. Allele origin: germline. Affected: no.

Genome-Nilou Lab
Classification: Likely benign for Aortic valve disease 1. Last evaluated: 2022-03-15. Review status: criteria provided, single submitter. Criteria: ACMG Guidelines, 2015. Collection method: clinical testing. Allele origin: germline. Affected: no.

GeneDx
Classification: Likely benign. Last evaluated: 2017-12-05. Review status: criteria provided, single submitter. Criteria: GeneDx Variant Classification (06012015). Collection method: clinical testing. Allele origin: germline. Affected: yes.
Comment: This variant is considered likely benign or benign based on one or more of the following criteria: it is a conservative change, it occurs at a poorly conserved position in the protein, it is predicted to be benign by multiple in silico algorithms, and/or has population frequency not consistent with disease.

NM_017617.5(NOTCH1):c.6180+9G>T

Genes: NOTCH1 (notch receptor 1; minus strand), LOC126860794 (BRD4-independent group 4 enhancer GRCh37_chr9:139392592-139393791; plus strand). Cytogenetic location: 9q34.3.
Variant type: single nucleotide variant.
Coding change: c.6180+9G>T on transcript NM_017617.5 (MANE Select); 9 bases into the intron after coding-DNA position 6180, G replaced by T.
Molecular consequence: intron variant.
Genome position (GRCh38, 1-based): chr9:136,498,890, C>A on the plus strand (G>T on the coding strand, the complement: NOTCH1 is on the minus strand). VCF-style: chr9-136498890-C-A. GRCh37 (hg19) VCF-style: chr9-139393342-C-A.
Other names: c.6180+9G>T (LRG_1122t1).
Identifiers: ClinVar variation 513894 (VCV000513894.10), dbSNP rs200371378, ClinGen allele CA658797364.
Genomic context (GRCh38, chr9:136,498,890, plus strand): 5'-GGGTTTGGCCCTCACTTCTCTGTGGATTCAGCCCTCACGTCTCCCCTGGCATCCCAGCCT[C>A]GCGCTCACCCTGTTGTTCTGCATATCTTTGTTAGCCCCGTTCTTCAGGAGCACAACTGCG-3'